The following is an entry in ClinVar:

NM_001330311.2(DVL1):c.227G>A (p.Arg76His)

Gene: DVL1 (dishevelled segment polarity protein 1; minus strand). Cytogenetic location: 1p36.33.
Variant type: single nucleotide variant.
Coding change: c.227G>A on transcript NM_001330311.2 (MANE Select); coding-DNA position 227, G replaced by A.
Protein change: p.Arg76His; replaces arginine 76 with histidine.
Molecular consequence: missense variant.
Genome position (GRCh38, 1-based): chr1:1,342,702, C>T on the plus strand (G>A on the coding strand, the complement: DVL1 is on the minus strand). VCF-style: chr1-1342702-C-T. GRCh37 (hg19) VCF-style: chr1-1278082-C-T.
Other names: c.227G>A, p.Arg76His (NM_004421.3); c.227G>A (NM_004421.2); short protein forms R76H.
Identifiers: ClinVar variation 1897198 (VCV001897198.6), dbSNP rs750153032, ClinGen allele CA520807.

ClinVar aggregate classification (germline): Uncertain significance. Review status: criteria provided, multiple submitters, no conflicts (2 of 4 stars). 2 submissions from 2 submitters: Uncertain significance (2). Last evaluated 2025-01-27.

Allele frequency attached by ClinVar (database versions not stated): TOPMed 0.00006; gnomAD 0.00009.
gnomAD v4.1: 26 of 1,612,920 alleles (0.0016%); highest among the groups gnomAD compares: Admixed American, 0.03%; no homozygotes.

Submissions (2):

Labcorp Genetics (formerly Invitae), Labcorp
Classification: Uncertain significance. Last evaluated: 2025-01-27. Review status: criteria provided, single submitter. Criteria: Invitae Variant Classification Sherloc (09022015). Collection method: clinical testing. Allele origin: germline.
Comment: This sequence change replaces arginine, which is basic and polar, with histidine, which is basic and polar, at codon 76 of the DVL1 protein (p.Arg76His). This variant is present in population databases (rs750153032, gnomAD 0.01%). This variant has not been reported in the literature in individuals affected with DVL1-related conditions. ClinVar contains an entry for this variant (Variation ID: 1897198). Invitae Evidence Modeling of protein sequence and biophysical properties (such as structural, functional, and spatial information, amino acid conservation, physicochemical variation, residue mobility, and thermodynamic stability) indicates that this missense variant is expected to disrupt DVL1 protein function with a positive predictive value of 80%. In summary, the available evidence is currently insufficient to determine the role of this variant in disease. Therefore, it has been classified as a Variant of Uncertain Significance.

Women's Health and Genetics/Laboratory Corporation of America, LabCorp
Classification: Uncertain significance. Last evaluated: 2023-08-22. Review status: criteria provided, single submitter. Criteria: LabCorp Variant Classification Summary - May 2015. Collection method: clinical testing. Allele origin: germline.
Comment: Variant summary: DVL1 c.227G>A (p.Arg76His) results in a non-conservative amino acid change located in the DIX domain (IPR001158) of the encoded protein sequence. Four of five in-silico tools predict a damaging effect of the variant on protein function. The variant allele was found at a frequency of 2e-05 in 249986 control chromosomes. The available data on variant occurrences in the general population are insufficient to allow any conclusion about variant significance. c.227G>A has been reported in the literature in an individual affected with holoprosencephaly (Roessler_2018) without evidence for causality. This report does not provide unequivocal conclusions about association of the variant with Autosomal Dominant Robinow Syndrome 2. To our knowledge, no experimental evidence demonstrating an impact on protein function has been reported. The following publication have been ascertained in the context of this evaluation (PMID: 29992659). One submitter has cited clinical-significance assessments for this variant to ClinVar after 2014 and has classified the variant as uncertain significance. Based on the evidence outlined above, the variant was classified as uncertain significance.

Literature cited by the submitters: PubMed 29992659 (cited by Women's Health and Genetics/Laboratory Corporation of America, LabCorp).